The following is an entry in ClinVar:

NM_000193.4(SHH):c.1217G>A (p.Arg406His)

Gene: SHH (sonic hedgehog signaling molecule; minus strand). Cytogenetic location: 7q36.3.
Variant type: single nucleotide variant.
Coding change: c.1217G>A on transcript NM_000193.4 (MANE Select); coding-DNA position 1217, G replaced by A.
Protein change: p.Arg406His; replaces arginine 406 with histidine.
Molecular consequence: missense variant. On other transcripts: intron variant (1).
Genome position (GRCh38, 1-based): chr7:155,803,072, C>T on the plus strand (G>A on the coding strand, the complement: SHH is on the minus strand). VCF-style: chr7-155803072-C-T. GRCh37 (hg19) VCF-style: chr7-155595766-C-T.
Other names: c.302-2827G>A (NM_001310462.2); c.1217G>A (NM_000193.2); short protein forms R406H.
Identifiers: ClinVar variation 1910988 (VCV001910988.6), dbSNP rs1321845312, ClinGen allele CA370144563.

ClinVar aggregate classification (germline): Uncertain significance. Review status: criteria provided, multiple submitters, no conflicts (2 of 4 stars). 2 submissions from 2 submitters: Uncertain significance (2). Last evaluated 2026-01-05.

Conditions:
Holoprosencephaly 3 (HPE3). Identifiers: Orphanet 2162, MedGen C1840529, MONDO:0007733, OMIM 142945.
Inborn genetic diseases. Identifiers: MedGen C0950123, MeSH D030342.

Allele frequency attached by ClinVar (database versions not stated): gnomAD exomes below 0.00001; gnomAD 0.00001.
gnomAD v4.1: 3 of 1,372,706 alleles (0.00022%); highest among the groups gnomAD compares: Non-Finnish European, 0.00028%; no homozygotes.

Submissions (2):

Labcorp Genetics (formerly Invitae), Labcorp
Classification: Uncertain significance for Holoprosencephaly 3. Last evaluated: 2026-01-05. Review status: criteria provided, single submitter. Criteria: Invitae Variant Classification Sherloc (09022015). Collection method: clinical testing. Allele origin: germline.
Comment: This sequence change replaces arginine, which is basic and polar, with histidine, which is basic and polar, at codon 406 of the SHH protein (p.Arg406His). This variant is present in population databases (no rsID available, gnomAD 0.007%). This variant has not been reported in the literature in individuals affected with SHH-related conditions. ClinVar contains an entry for this variant (Variation ID: 1910988). An algorithm developed to predict the effect of missense changes on protein structure and function (PolyPhen-2) suggests that this variant is likely to be tolerated. In summary, the available evidence is currently insufficient to determine the role of this variant in disease. Therefore, it has been classified as a Variant of Uncertain Significance.

Ambry Genetics
Classification: Uncertain significance for Inborn genetic diseases. Last evaluated: 2025-09-05. Review status: criteria provided, single submitter. Criteria: Ambry Variant Classification Scheme 2023. Collection method: clinical testing. Allele origin: germline.